The following is an entry in ClinVar:

NM_000313.4(PROS1):c.1504A>G (p.Ser502Gly)

Gene: PROS1 (protein S; minus strand). Cytogenetic location: 3q11.1.
Variant type: single nucleotide variant.
Coding change: c.1504A>G on transcript NM_000313.4 (MANE Select); coding-DNA position 1504, A replaced by G.
Protein change: p.Ser502Gly; replaces serine 502 with glycine.
Molecular consequence: missense variant.
Genome position (GRCh38, 1-based): chr3:93,879,303, T>C on the plus strand (A>G on the coding strand, the complement: PROS1 is on the minus strand). VCF-style: chr3-93879303-T-C. GRCh37 (hg19) VCF-style: chr3-93598147-T-C.
Other names: c.1600A>G, p.Ser534Gly (NM_001314077.2); short protein forms S502G, S534G.
Identifiers: ClinVar variation 4529462 (VCV004529462.1).

ClinVar aggregate classification (germline): Uncertain significance (0 of 4 stars; one submission).

Conditions:
Thrombophilia due to protein S deficiency, autosomal dominant (THPH5). Identifiers: Orphanet 26349, Orphanet 743, MedGen C3278211, MONDO:0012868, OMIM 612336. Disease mechanism: loss of function.

gnomAD v4.1: 1 of 1,613,868 alleles (0.000062%); highest among the groups gnomAD compares: Admixed American, 0.0017%; no homozygotes.

Submission:

Department of Transfusion Medicine and Hemostaseology, University Hospital Erlangen
Classification: Uncertain significance for Thrombophilia due to protein S deficiency, autosomal dominant. Last evaluated: 2025-09-01. Review status: no assertion criteria provided. Collection method: clinical testing. Allele origin: germline.
Comment: This variant was identified during a screening of patients with suspected hereditary Protein S deficiency. Currently, no literature is available describing this variant and it is not listed in any public population database. Several in silico variant effect prediction tools (PolyPhen-2, SIFT, AlphaMissense) classify this variant as likely benign. Taken together we classified this variant as of uncertain significance.